The following is an entry in ClinVar:

ClinVar aggregate classification (germline): Uncertain significance (1 of 4 stars; one submission).

Conditions:
Malignant hyperthermia, susceptibility to, 5 (MHS5). Also called: CACNA1S-Related Malignant Hyperthermia Susceptibility. Identifiers: Orphanet 423, MedGen C1866077, MONDO:0011163, OMIM 601887.
Hypokalemic periodic paralysis, type 1. Also called: Hypokalemic Periodic Paralysis Type 1 (AD); HypoPP. Identifiers: Orphanet 681, MedGen C3714580, MONDO:0042979, OMIM 170400.

Submission:

Labcorp Genetics (formerly Invitae), Labcorp
Classification: Uncertain significance for Hypokalemic periodic paralysis, type 1; Malignant hyperthermia, susceptibility to, 5. Last evaluated: 2023-10-30. Review status: criteria provided, single submitter. Criteria: Invitae Variant Classification Sherloc (09022015). Collection method: clinical testing. Allele origin: germline.
Comment: This sequence change replaces serine, which is neutral and polar, with arginine, which is basic and polar, at codon 154 of the CACNA1S protein (p.Ser154Arg). This variant is not present in population databases (gnomAD no frequency). This variant has not been reported in the literature in individuals affected with CACNA1S-related conditions. Advanced modeling of protein sequence and biophysical properties (such as structural, functional, and spatial information, amino acid conservation, physicochemical variation, residue mobility, and thermodynamic stability) performed at Invitae indicates that this missense variant is not expected to disrupt CACNA1S protein function with a negative predictive value of 95%. In summary, the available evidence is currently insufficient to determine the role of this variant in disease. Therefore, it has been classified as a Variant of Uncertain Significance.

NM_000069.3(CACNA1S):c.462C>G (p.Ser154Arg)

Gene: CACNA1S (calcium voltage-gated channel subunit alpha1 S; minus strand). Cytogenetic location: 1q32.1.
Variant type: single nucleotide variant.
Coding change: c.462C>G on transcript NM_000069.3 (MANE Select); coding-DNA position 462, C replaced by G.
Protein change: p.Ser154Arg; replaces serine 154 with arginine.
Molecular consequence: missense variant.
Genome position (GRCh38, 1-based): chr1:201,092,051, G>C on the plus strand (C>G on the coding strand, the complement: CACNA1S is on the minus strand). VCF-style: chr1-201092051-G-C. GRCh37 (hg19) VCF-style: chr1-201061179-G-C.
Other names: short protein forms S154R.
Identifiers: ClinVar variation 2953424 (VCV002953424.3), dbSNP rs2464625729, ClinGen allele CA344142055.